The following is an entry in ClinVar:

ClinVar aggregate classification (germline): Uncertain significance (1 of 4 stars; one submission).

Conditions:
Early-onset myopathy with fatal cardiomyopathy (CMYO5). Also called: CONGENITAL MYOPATHY 5 WITH CARDIOMYOPATHY; Salih Myopathy. Identifiers: Orphanet 289377, MedGen C2673677, MONDO:0012714, OMIM 611705. Disease mechanism: loss of function.

gnomAD v4.1: 3 of 1,605,336 alleles (0.00019%); highest among the groups gnomAD compares: South Asian, 0.0033%; no homozygotes.

Submission:

Neuberg Centre For Genomic Medicine, NCGM
Classification: Uncertain significance for Early-onset myopathy with fatal cardiomyopathy. Last evaluated: 2024-02-01. Review status: criteria provided, single submitter. Criteria: ACMG Guidelines, 2015. Collection method: clinical testing. Allele origin: germline. Inheritance: Autosomal recessive inheritance.
Comment: The missense variant has not been reported previously as a pathogenic variant nor as a benign variant, to our knowledge.

NM_001267550.2(TTN):c.27857T>C (p.Val9286Ala)

Gene: TTN (titin; minus strand). Cytogenetic location: 2q31.2.
Variant type: single nucleotide variant.
Coding change: c.27857T>C on transcript NM_001267550.2 (MANE Select); coding-DNA position 27857, T replaced by C.
Protein change: p.Val9286Ala; replaces valine 9286 with alanine.
Molecular consequence: missense variant. On other transcripts: intron variant (3).
Genome position (GRCh38, 1-based): chr2:178,711,973, A>G on the plus strand (T>C on the coding strand, the complement: TTN is on the minus strand). VCF-style: chr2-178711973-A-G. GRCh37 (hg19) VCF-style: chr2-179576700-A-G.
Other names: c.26906T>C, p.Val8969Ala (NM_001256850.1); c.24125T>C, p.Val8042Ala (NM_133378.4); c.13282+26109T>C (NM_003319.4); c.13858+26109T>C (NM_133437.4); c.13657+26109T>C (NM_133432.3); short protein forms V8042A, V8969A, V9286A.
Identifiers: ClinVar variation 3897974 (VCV003897974.1).